The following is an entry in ClinVar:

NM_002900.3(RBP3):c.3605A>G (p.Asp1202Gly)

Gene: RBP3 (retinol binding protein 3; plus strand). Cytogenetic location: 10q11.22.
Variant type: single nucleotide variant.
Coding change: c.3605A>G on transcript NM_002900.3 (MANE Select); coding-DNA position 3605, A replaced by G.
Protein change: p.Asp1202Gly; replaces aspartic acid 1202 with glycine.
Molecular consequence: missense variant.
Genome position (GRCh38, 1-based): chr10:47,357,318, A>G. VCF-style: chr10-47357318-A-G. GRCh37 (hg19) VCF-style: chr10-48382044-T-C.
Other names: short protein forms D1202G.
Identifiers: ClinVar variation 2118525 (VCV002118525.4), dbSNP rs1588866449, ClinGen allele CA376677639.
Genomic context (GRCh38, chr10:47,357,318, plus strand): 5'-ACGTGGATGACACCAACCTCTACCTCACTATCCCCACGGCCCGTTCTGTGGGGGCCTCGG[A>G]TGGCAGCTCCTGGGAAGGGGTGGGGGTGACACCCCATGTGGTTGTCCCTGCAGAAGAGGC-3'
Protein context (NP_002891.1, residues 1192-1212): IPTARSVGAS[Asp1202Gly]GSSWEGVGVT

ClinVar aggregate classification (germline): Uncertain significance (1 of 4 stars; one submission).

Submission:

Labcorp Genetics (formerly Invitae), Labcorp
Classification: Uncertain significance. Last evaluated: 2023-08-24. Review status: criteria provided, single submitter. Criteria: Invitae Variant Classification Sherloc (09022015). Collection method: clinical testing. Allele origin: germline.
Comment: In summary, the available evidence is currently insufficient to determine the role of this variant in disease. Therefore, it has been classified as a Variant of Uncertain Significance. An algorithm developed to predict the effect of missense changes on protein structure and function (PolyPhen-2) suggests that this variant is likely to be disruptive. ClinVar contains an entry for this variant (Variation ID: 2118525). This variant has not been reported in the literature in individuals affected with RBP3-related conditions. This variant is not present in population databases (gnomAD no frequency). This sequence change replaces aspartic acid, which is acidic and polar, with glycine, which is neutral and non-polar, at codon 1202 of the RBP3 protein (p.Asp1202Gly).